The following is an entry in ClinVar:

ClinVar aggregate classification (germline): Likely benign. Review status: criteria provided, multiple submitters, no conflicts (2 of 4 stars). 2 submissions from 2 submitters: Likely benign (2). Last evaluated 2022-02-08.

Allele frequency attached by ClinVar (database versions not stated): gnomAD exomes below 0.00001.
gnomAD v4.1: 3 of 1,614,244 alleles (0.00019%); highest among the groups gnomAD compares: South Asian, 0.0033%; no homozygotes.

Submissions (2):

Blueprint Genetics
Classification: Likely benign. Last evaluated: 2022-02-08. Review status: criteria provided, single submitter. Criteria: ACMG Guidelines, 2015. Collection method: clinical testing. Allele origin: germline.

GeneDx
Classification: Likely benign. Last evaluated: 2017-09-06. Review status: criteria provided, single submitter. Criteria: GeneDx Variant Classification (06012015). Collection method: clinical testing. Allele origin: germline. Affected: yes.
Comment: This variant is considered likely benign or benign based on one or more of the following criteria: it is a conservative change, it occurs at a poorly conserved position in the protein, it is predicted to be benign by multiple in silico algorithms, and/or has population frequency not consistent with disease.

NM_022455.5(NSD1):c.2655A>G (p.Ser885=)

Gene: NSD1 (nuclear receptor binding SET domain protein 1; plus strand). Cytogenetic location: 5q35.3.
Variant type: single nucleotide variant.
Coding change: c.2655A>G on transcript NM_022455.5 (MANE Select); coding-DNA position 2655, A replaced by G.
Protein change: p.Ser885=; no amino-acid change (serine 885 retained).
Molecular consequence: synonymous variant.
Genome position (GRCh38, 1-based): chr5:177,211,054, A>G. VCF-style: chr5-177211054-A-G. GRCh37 (hg19) VCF-style: chr5-176638055-A-G.
Other names: c.1782A>G, p.Ser594= (NM_001365684.2, NM_001409306.1, NM_001409307.1 and 3 more transcripts); c.2655A>G, p.Ser885= (NM_001409301.1, NM_001409302.1, NM_001409303.1); c.2235A>G, p.Ser745= (NM_001409304.1); c.1902A>G, p.Ser634= (NM_001409305.1).
Identifiers: ClinVar variation 511912 (VCV000511912.2), dbSNP rs1437774200, ClinGen allele CA447960781.